The following is an entry in ClinVar:

ClinVar aggregate classification (germline): Uncertain significance. Review status: criteria provided, multiple submitters, no conflicts (2 of 4 stars). 4 submissions from 4 submitters: Uncertain significance (4). Last evaluated 2025-01-17.

Conditions:
Inborn genetic diseases. Identifiers: MedGen C0950123, MeSH D030342.
Glycogen storage disease type III (GSD3). Also called: FORBES DISEASE; Cori disease. Identifiers: Orphanet 366, MedGen C0017922, MONDO:0009291, OMIM 232400.

Allele frequency attached by ClinVar (database versions not stated): gnomAD below 0.00001 and 0.00001; gnomAD exomes 0.00001 and 0.00003; ExAC 0.00004.
gnomAD v4.1: 14 of 1,613,806 alleles (0.00087%); highest among the groups gnomAD compares: South Asian, 0.014%; no homozygotes.

Submissions (4):

Ambry Genetics
Classification: Uncertain significance for Inborn genetic diseases. Last evaluated: 2025-01-17. Review status: criteria provided, single submitter. Criteria: Ambry Variant Classification Scheme 2023. Collection method: clinical testing. Allele origin: germline.

Genome-Nilou Lab
Classification: Uncertain significance for Glycogen storage disease type III. Last evaluated: 2023-04-11. Review status: criteria provided, single submitter. Criteria: ACMG Guidelines, 2015. Collection method: clinical testing. Allele origin: germline. Affected: no.

Labcorp Genetics (formerly Invitae), Labcorp
Classification: Uncertain significance for Glycogen storage disease type III. Last evaluated: 2021-09-01. Review status: criteria provided, single submitter. Criteria: Invitae Variant Classification Sherloc (09022015). Collection method: clinical testing. Allele origin: germline.
Comment: This sequence change replaces isoleucine with phenylalanine at codon 1403 of the AGL protein (p.Ile1403Phe). The isoleucine residue is moderately conserved and there is a small physicochemical difference between isoleucine and phenylalanine. This variant is present in population databases (rs772976797, ExAC 0.03%). This variant has not been reported in the literature in individuals affected with AGL-related conditions. ClinVar contains an entry for this variant (Variation ID: 291346). Algorithms developed to predict the effect of missense changes on protein structure and function (SIFT, PolyPhen-2, Align-GVGD) all suggest that this variant is likely to be tolerated. In summary, the available evidence is currently insufficient to determine the role of this variant in disease. Therefore, it has been classified as a Variant of Uncertain Significance.

Illumina Laboratory Services, Illumina
Classification: Uncertain significance for Glycogen storage disease type III. Last evaluated: 2018-01-12. Review status: criteria provided, single submitter. Criteria: ICSL Variant Classification Criteria 13 December 2019. Collection method: clinical testing. Allele origin: germline.

NM_000642.3(AGL):c.4207A>T (p.Ile1403Phe)

Gene: AGL (amylo-alpha-1,6-glucosidase and 4-alpha-glucanotransferase; plus strand). Cytogenetic location: 1p21.2.
Variant type: single nucleotide variant.
Coding change: c.4207A>T on transcript NM_000642.3 (MANE Select); coding-DNA position 4207, A replaced by T.
Protein change: p.Ile1403Phe; replaces isoleucine 1403 with phenylalanine.
Molecular consequence: missense variant.
Genome position (GRCh38, 1-based): chr1:99,915,434, A>T. VCF-style: chr1-99915434-A-T. GRCh37 (hg19) VCF-style: chr1-100380990-A-T.
Other names: c.4207A>T, p.Ile1403Phe (NM_000028.3, NM_000643.3, NM_000644.3 and 1 more transcripts); c.4159A>T, p.Ile1387Phe (NM_000646.3); c.4186A>T, p.Ile1396Phe (NM_001425326.1); c.4006A>T, p.Ile1336Phe (NM_001425327.1); c.4003A>T, p.Ile1335Phe (NM_001425328.1); c.3868A>T, p.Ile1290Phe (NM_001425329.1); c.3829A>T, p.Ile1277Phe (NM_001425332.1); short protein forms I1403F, I1387F, I1277F, I1290F, I1335F, I1336F, I1396F.
Identifiers: ClinVar variation 291346 (VCV000291346.11), dbSNP rs772976797, ClinGen allele CA967352.